The following is an entry in ClinVar:

NM_000218.3(KCNQ1):c.921+1G>A

Gene: KCNQ1 (potassium voltage-gated channel subfamily Q member 1; plus strand). Cytogenetic location: 11p15.5.
Variant type: single nucleotide variant.
Coding change: c.921+1G>A on transcript NM_000218.3 (MANE Select); the canonical splice donor site of the intron after coding-DNA position 921, G replaced by A.
Molecular consequence: splice donor variant. On other transcripts: intron variant (1).
Genome position (GRCh38, 1-based): chr11:2,572,987, G>A. VCF-style: chr11-2572987-G-A. GRCh37 (hg19) VCF-style: chr11-2594217-G-A.
Other names: c.651+1G>A (NM_001406837.1); c.921+1G>A (NM_001406836.1); c.478-10448G>A (NM_001406838.1); c.540+1G>A (NM_181798.2).
Identifiers: ClinVar variation 1384067 (VCV001384067.9), dbSNP rs397508130, ClinGen allele CA379131805.

ClinVar aggregate classification (germline): Pathogenic/Likely pathogenic. Review status: criteria provided, multiple submitters, no conflicts (2 of 4 stars). 3 submissions from 3 submitters: Pathogenic (2); Likely pathogenic (1). Last evaluated 2024-09-02.

Conditions:
KCNQ1-related disorder. Also called: KCNQ1-related condition; KCNQ1-related disorders. Identifiers: MedGen CN239322.
Long QT syndrome (LQTS). Identifiers: MedGen C0023976, MeSH D008133, MONDO:0002442. Disease mechanism: loss of function. Inheritance: Various modes of inheritance.
Long QT syndrome 1 (LQT1). Identifiers: Orphanet 101016, Orphanet 768, MedGen C4551647, MONDO:0100316, OMIM 192500, MONDO:0008646.

Submissions (3):

Blueprint Genetics
Classification: Likely pathogenic for KCNQ1-related disorders. Last evaluated: 2024-09-02. Review status: criteria provided, single submitter. Criteria: ACMG Guidelines, 2015. Collection method: clinical testing. Allele origin: germline. Affected: yes. Observed: 1 variant allele.

Molecular Genetics Laboratory - Cardiogenetics, CHU de Nantes
Classification: Pathogenic for Long QT syndrome 1. Last evaluated: 2023-08-01. Review status: criteria provided, single submitter. Criteria: ACMG Guidelines, 2015. Collection method: clinical testing. Allele origin: germline. Affected: yes.

Labcorp Genetics (formerly Invitae), Labcorp
Classification: Pathogenic for Long QT syndrome. Last evaluated: 2023-03-27. Review status: criteria provided, single submitter. Criteria: Invitae Variant Classification Sherloc (09022015). Collection method: clinical testing. Allele origin: germline.
Comment: For these reasons, this variant has been classified as Pathogenic. Algorithms developed to predict the effect of sequence changes on RNA splicing suggest that this variant may disrupt the consensus splice site. ClinVar contains an entry for this variant (Variation ID: 1384067). Disruption of this splice site has been observed in individual(s) with Jervell and Lange-Nielsen syndrome and/or long QT syndrome (PMID: 10973849; Invitae). In at least one individual the data is consistent with being in trans (on the opposite chromosome) from a pathogenic variant. This variant is not present in population databases (gnomAD no frequency). This sequence change affects a donor splice site in intron 6 of the KCNQ1 gene. It is expected to disrupt RNA splicing. Variants that disrupt the donor or acceptor splice site typically lead to a loss of protein function (PMID: 16199547), and loss-of-function variants in KCNQ1 are known to be pathogenic (PMID: 9323054, 19862833).

Literature cited by the submitters: PubMed 10973849 (cited by Labcorp Genetics (formerly Invitae), Labcorp); PubMed 16199547 (cited by Labcorp Genetics (formerly Invitae), Labcorp); PubMed 9323054 (cited by Labcorp Genetics (formerly Invitae), Labcorp); PubMed 19862833 (cited by Labcorp Genetics (formerly Invitae), Labcorp).